The following is an entry in ClinVar:

NM_000384.3(APOB):c.13025C>T (p.Pro4342Leu)

Gene: APOB (apolipoprotein B; minus strand). Cytogenetic location: 2p24.1.
Variant type: single nucleotide variant.
Coding change: c.13025C>T on transcript NM_000384.3 (MANE Select); coding-DNA position 13025, C replaced by T.
Protein change: p.Pro4342Leu; replaces proline 4342 with leucine.
Molecular consequence: missense variant.
Genome position (GRCh38, 1-based): chr2:21,002,397, G>A on the plus strand (C>T on the coding strand, the complement: APOB is on the minus strand). VCF-style: chr2-21002397-G-A. GRCh37 (hg19) VCF-style: chr2-21225269-G-A.
Other names: c.13025C>T (NM_000384.2); short protein forms P4342L.
Identifiers: ClinVar variation 3338627 (VCV003338627.5).

ClinVar aggregate classification (germline): Conflicting classifications of pathogenicity. Review status: criteria provided, conflicting classifications (1 of 4 stars). 4 submissions from 4 submitters: Uncertain significance (2); Likely benign (2). Last evaluated 2025-08-04.

Conditions:
Cardiovascular phenotype. Identifiers: MedGen CN230736.
Familial hypobetalipoproteinemia 1. Also called: Hypobetalipoproteinemia, normotriglyceridemic; Acanthocytosis with hypobetalipoproteinemia; APOB-Related Familial Hypobetalipoproteinemia. Identifiers: MedGen C4551990, MONDO:0014252, OMIM 615558.
Hypercholesterolemia, autosomal dominant, type B (FHCL2). Also called: Familial Hypercholesterolemia Type B; APOLIPOPROTEIN B-100, FAMILIAL DEFECTIVE; APOLIPOPROTEIN B-100, FAMILIAL LIGAND-DEFECTIVE; HYPERCHOLESTEROLEMIA, FAMILIAL, DUE TO LIGAND-DEFECTIVE APOLIPOPROTEIN B; Hyperlipoproteinemia Type IIb; Familial hypercholesterolemia 2. Identifiers: MedGen C1704417, MONDO:0007751, OMIM 144010.

gnomAD v4.1: 4 of 1,600,804 alleles (0.00025%); highest among the groups gnomAD compares: Admixed American, 0.0051%; no homozygotes.

Submissions (4):

Ambry Genetics
Classification: Likely benign for Cardiovascular phenotype. Last evaluated: 2025-08-04. Review status: criteria provided, single submitter. Criteria: Ambry Variant Classification Scheme 2023. Collection method: clinical testing. Allele origin: germline.

Labcorp Genetics (formerly Invitae), Labcorp
Classification: Likely benign for Familial hypobetalipoproteinemia 1; Hypercholesterolemia, autosomal dominant, type B. Last evaluated: 2025-04-13. Review status: criteria provided, single submitter. Criteria: Invitae Variant Classification Sherloc (09022015). Collection method: clinical testing. Allele origin: germline.

GeneDx
Classification: Uncertain significance. Last evaluated: 2025-03-10. Review status: criteria provided, single submitter. Criteria: GeneDx Variant Classification Process June 2021. Collection method: clinical testing. Allele origin: germline. Affected: yes.
Comment: Not observed at significant frequency in large population cohorts (gnomAD); In silico analysis supports that this missense variant has a deleterious effect on protein structure/function; Has not been previously published as pathogenic or benign to our knowledge

Greenwood Genetic Center Diagnostic Laboratories, Greenwood Genetic Center
Classification: Uncertain significance. Last evaluated: 2024-05-07. Review status: criteria provided, single submitter. Criteria: ACMG Guidelines, 2015. Collection method: clinical testing. Allele origin: germline. Affected: yes.
Comment: PM2